The following is an entry in ClinVar:

NM_006267.5(RANBP2):c.8009A>G (p.Glu2670Gly)

Gene: RANBP2 (RAN binding protein 2; plus strand). Cytogenetic location: 2q13.
Variant type: single nucleotide variant.
Coding change: c.8009A>G on transcript NM_006267.5 (MANE Select); coding-DNA position 8009, A replaced by G.
Protein change: p.Glu2670Gly; replaces glutamic acid 2670 with glycine.
Molecular consequence: missense variant.
Genome position (GRCh38, 1-based): chr2:108,771,860, A>G. VCF-style: chr2-108771860-A-G. GRCh37 (hg19) VCF-style: chr2-109388316-A-G.
Other names: short protein forms E2670G.
Identifiers: ClinVar variation 1005355 (VCV001005355.7), dbSNP rs150674986, ClinGen allele CA53459541.

ClinVar aggregate classification (germline): Uncertain significance (1 of 4 stars; one submission).

Conditions:
Familial acute necrotizing encephalopathy (IIAE3). Also called: ENCEPHALOPATHY, ACUTE, INFECTION-INDUCED, SUSCEPTIBILITY TO, 3; Susceptibility to Acute Necrotizing Encephalopathy 1. Identifiers: Orphanet 88619, MedGen C2675556, MONDO:0011953, OMIM 608033.

Allele frequency attached by ClinVar (database versions not stated): gnomAD exomes below 0.00001 and 0.00002; TOPMed 0.00002; gnomAD 0.00004 and 0.00005; ESP Exome Variant Server 0.00008.
gnomAD v4.1: 14 of 1,614,024 alleles (0.00087%); highest among the groups gnomAD compares: African/African-American, 0.016%; no homozygotes.

Submission:

Labcorp Genetics (formerly Invitae), Labcorp
Classification: Uncertain significance for Familial acute necrotizing encephalopathy. Last evaluated: 2020-01-18. Review status: criteria provided, single submitter. Criteria: Invitae Variant Classification Sherloc (09022015). Collection method: clinical testing. Allele origin: germline.
Comment: In summary, the available evidence is currently insufficient to determine the role of this variant in disease. Therefore, it has been classified as a Variant of Uncertain Significance. Algorithms developed to predict the effect of missense changes on protein structure and function (SIFT, PolyPhen-2, Align-GVGD) all suggest that this variant is likely to be disruptive, but these predictions have not been confirmed by published functional studies and their clinical significance is uncertain. This variant has not been reported in the literature in individuals with RANBP2-related conditions. This variant is not present in population databases (ExAC no frequency). This sequence change replaces glutamic acid with glycine at codon 2670 of the RANBP2 protein (p.Glu2670Gly). The glutamic acid residue is highly conserved and there is a moderate physicochemical difference between glutamic acid and glycine.